The following is an entry in ClinVar:

ClinVar aggregate classification (germline): Uncertain significance (1 of 4 stars; one submission).

Submission:

Labcorp Genetics (formerly Invitae), Labcorp
Classification: Uncertain significance. Last evaluated: 2025-07-14. Review status: criteria provided, single submitter. Criteria: Invitae Variant Classification Sherloc (09022015). Collection method: clinical testing. Allele origin: germline.
Comment: This sequence change replaces valine, which is neutral and non-polar, with leucine, which is neutral and non-polar, at codon 23 of the CHRM2 protein (p.Val23Leu). This variant is not present in population databases (gnomAD no frequency). This variant has not been reported in the literature in individuals affected with CHRM2-related conditions. An algorithm developed to predict the effect of missense changes on protein structure and function (PolyPhen-2) suggests that this variant is likely to be tolerated. In summary, the available evidence is currently insufficient to determine the role of this variant in disease. Therefore, it has been classified as a Variant of Uncertain Significance.

NM_001006630.2(CHRM2):c.67G>C (p.Val23Leu)

Genes: CHRM2 (cholinergic receptor muscarinic 2; plus strand), LOC349160 (uncharacterized LOC349160; minus strand). Cytogenetic location: 7q33.
Variant type: single nucleotide variant.
Coding change: c.67G>C on transcript NM_001006630.2 (MANE Select); coding-DNA position 67, G replaced by C.
Protein change: p.Val23Leu; replaces valine 23 with leucine.
Molecular consequence: missense variant.
Genome position (GRCh38, 1-based): chr7:137,014,932, G>C. VCF-style: chr7-137014932-G-C. GRCh37 (hg19) VCF-style: chr7-136699679-G-C.
Other names: c.67G>C, p.Val23Leu (NM_000739.3, NM_001006626.3, NM_001006627.3 and 6 more transcripts); short protein forms V23L.
Identifiers: ClinVar variation 4785480 (VCV004785480.1).